The following is an entry in ClinVar:

ClinVar aggregate classification (germline): Pathogenic (1 of 4 stars; one submission).

Conditions:
Cerebral cavernous malformation (CCM). Also called: Cerebral cavernous hemangioma (type); Cerebral cavernous malformations; Cavernous Hemangioma of Brain; CAVERNOUS ANGIOMA, FAMILIAL; CAVERNOUS ANGIOMATOUS MALFORMATIONS; CEREBRAL CAPILLARY MALFORMATIONS. Identifiers: Orphanet 221061, MedGen C2919945, MONDO:0000820, OMIM 116860, HP:0033522.

Submission:

Labcorp Genetics (formerly Invitae), Labcorp
Classification: Pathogenic for Cerebral cavernous malformation. Last evaluated: 2023-08-22. Review status: criteria provided, single submitter. Criteria: Invitae Variant Classification Sherloc (09022015). Collection method: clinical testing. Allele origin: germline.
Comment: This variant has not been reported in the literature in individuals affected with KRIT1-related conditions. For these reasons, this variant has been classified as Pathogenic. This variant is not present in population databases (gnomAD no frequency). This sequence change creates a premature translational stop signal (p.Ile42Leufs*23) in the KRIT1 gene. It is expected to result in an absent or disrupted protein product. Loss-of-function variants in KRIT1 are known to be pathogenic (PMID: 10508515, 11222804, 12404106, 24689081).

Literature cited by the submitters: PubMed 10508515; PubMed 11222804; PubMed 12404106; PubMed 24689081.

NM_194454.3(KRIT1):c.120del (p.Ile42fs)

Gene: KRIT1 (KRIT1 ankyrin repeat containing; minus strand). Cytogenetic location: 7q21.2.
Variant type: Deletion.
Coding change: c.120del on transcript NM_194454.3 (MANE Select); coding-DNA position 120, one base deleted (T; older notation c.120delT).
Protein change: p.Ile42fs; shifts the reading frame from isoleucine 42.
Molecular consequence: frameshift variant. On other transcripts: 5 prime UTR variant (1).
Genome position (GRCh38, 1-based): chr7:92,241,135, A deleted on the plus strand (T on the coding strand, the reverse complement: KRIT1 is on the minus strand); the first of 2 consecutive A bases (chr7:92,241,135-92,241,136); deleting either gives the same sequence. VCF-style (leftmost placement, unchanged base first): chr7-92241134-GA-G. GRCh37 (hg19) VCF-style: chr7-91870448-GA-G.
Other names: c.120del, p.Ile42fs (NM_001013406.2, NM_001350669.1, NM_001350670.1 and 29 more transcripts); c.-464del (NM_001350671.1); short protein forms I42fs.
Identifiers: ClinVar variation 2754420 (VCV002754420.3), dbSNP rs2536106288, ClinGen allele CA2697557373.
Genomic context (GRCh38, chr7:92,241,134, plus strand): 5'-TGCCTTGAAGTTTCGTTTCCAATAAAACTTTCTTTCTCTTTTTTTTCTGTCCTTCAATGG[GA>G]ACTTCATGCAACAAAATCTTAGATGAGAAAAACATTAAGAGAAAGCTTAAAATAAAGTCT-3'